The following is an entry in ClinVar:

ClinVar aggregate classification (germline): Pathogenic. Review status: criteria provided, single submitter (1 of 4 stars). 3 submissions from 3 submitters: Pathogenic (1). 2 of the submissions do not count toward it. Last evaluated 2025-02-27.

Conditions:
Holoprosencephaly 3 (HPE3). Identifiers: Orphanet 2162, MedGen C1840529, MONDO:0007733, OMIM 142945.

Submissions (3):

Laboratory of Molecular Genetics, CHU Rennes
Classification: Pathogenic for Holoprosencephaly 3. Last evaluated: 2025-02-27. Review status: criteria provided, single submitter. Criteria: ACMG Guidelines, 2015. Collection method: clinical testing. Allele origin: maternal. Inheritance: Oligogenic inheritance. Affected: yes.
Comment: The NM_000193.4:c.349T>C, is a missense variant in SHH in the Hedgehog domain (PM1), absent from controls (PM2), predicted pathogenic by prediction tools (PP3).

GeneReviews
Classification: Pathogenic for Holoprosencephaly. Last evaluated: 2013-08-29. Review status: no assertion criteria provided. Collection method: curation. Allele origin: unknown. Not counted in ClinVar's aggregate classification.
ClinVar note: Converted during submission from pathologic to Pathogenic.

OMIM
Classification: Pathogenic for HOLOPROSENCEPHALY 3. Last evaluated: 2005-11-22. Review status: no assertion criteria provided. Collection method: literature only. Allele origin: germline. Not counted in ClinVar's aggregate classification.

Literature cited by the submitters: PubMed 8896572 (cited by OMIM); PubMed 16282375 (cited by OMIM).

NM_000193.4(SHH):c.349T>C (p.Trp117Arg)

Gene: SHH (sonic hedgehog signaling molecule; minus strand). Cytogenetic location: 7q36.3.
Variant type: single nucleotide variant.
Coding change: c.349T>C on transcript NM_000193.4 (MANE Select); coding-DNA position 349, T replaced by C.
Protein change: p.Trp117Arg; replaces tryptophan 117 with arginine.
Molecular consequence: missense variant. On other transcripts: non-coding transcript variant (2).
Genome position (GRCh38, 1-based): chr7:155,806,509, A>G on the plus strand (T>C on the coding strand, the complement: SHH is on the minus strand). VCF-style: chr7-155806509-A-G. GRCh37 (hg19) VCF-style: chr7-155599203-A-G.
Other names: c.349T>C; c.88T>C, p.Trp30Arg (NM_001310462.2); short protein forms W117R, W30R.
Identifiers: ClinVar variation 8881 (VCV000008881.4), dbSNP rs104894040, ClinGen allele CA340832.